The following is an entry in ClinVar:

NM_004415.4(DSP):c.3323A>G (p.Asn1108Ser)

Gene: DSP (desmoplakin; plus strand). Cytogenetic location: 6p24.3.
Variant type: single nucleotide variant.
Coding change: c.3323A>G on transcript NM_004415.4 (MANE Select); coding-DNA position 3323, A replaced by G.
Protein change: p.Asn1108Ser; replaces asparagine 1108 with serine.
Molecular consequence: missense variant.
Genome position (GRCh38, 1-based): chr6:7,579,513, A>G. VCF-style: chr6-7579513-A-G. GRCh37 (hg19) VCF-style: chr6-7579746-A-G.
Other names: c.3323A>G, p.Asn1108Ser (NM_001008844.3, NM_001319034.2); c.3323A>G (LRG_423t1); short protein forms N1108S.
Identifiers: ClinVar variation 534310 (VCV000534310.10), dbSNP rs771948271, ClinGen allele CA037774.

ClinVar aggregate classification (germline): Conflicting classifications of pathogenicity. Review status: criteria provided, conflicting classifications (1 of 4 stars). 3 submissions from 3 submitters: Uncertain significance (1); Likely benign (2). Last evaluated 2025-12-24.

Conditions:
Arrhythmogenic cardiomyopathy with wooly hair and keratoderma. Also called: PALMOPLANTAR KERATODERMA WITH LEFT VENTRICULAR CARDIOMYOPATHY AND WOOLLY HAIR; Carvajal syndrome; Dilated cardiomyopathy with woolly hair and keratoderma; Arrhythmogenic cardiomyopathy with woolly hair and keratoderma. Identifiers: Orphanet 65282, MedGen C1854063, MONDO:0011581, OMIM 605676.
Arrhythmogenic right ventricular dysplasia 8 (ARVD8). Also called: Arrhythmogenic Right Ventricular Dysplasia/Cardiomyopathy 8; ARRHYTHMOGENIC RIGHT VENTRICULAR DYSPLASIA, FAMILIAL, 8; ARRHYTHMOGENIC RIGHT VENTRICULAR CARDIOMYOPATHY 8. Identifiers: MedGen C1843896, MONDO:0011831, OMIM 607450.
Cardiomyopathy (CMYO). Also called: Cardiomyopathies. Identifiers: Orphanet 167848, MedGen C0878544, MONDO:0004994, HP:0001638. Inheritance: Various modes of inheritance.
Cardiovascular phenotype. Identifiers: MedGen CN230736.

Allele frequency attached by ClinVar (database versions not stated): gnomAD exomes 0.00001; TOPMed 0.00001; ExAC 0.00002.
gnomAD v4.1: 6 of 1,614,040 alleles (0.00037%); highest among the groups gnomAD compares: East Asian, 0.0022%; no homozygotes.

Submissions (3):

Labcorp Genetics (formerly Invitae), Labcorp
Classification: Likely benign for Arrhythmogenic cardiomyopathy with wooly hair and keratoderma; Arrhythmogenic right ventricular dysplasia 8. Last evaluated: 2025-12-24. Review status: criteria provided, single submitter. Criteria: Invitae Variant Classification Sherloc (09022015). Collection method: clinical testing. Allele origin: germline.

Color Diagnostics, LLC DBA Color Health
Classification: Likely benign for Cardiomyopathy. Last evaluated: 2025-07-10. Review status: criteria provided, single submitter. Criteria: ACMG Guidelines, 2015. Collection method: clinical testing. Allele origin: germline.

Ambry Genetics
Classification: Uncertain significance for Cardiovascular phenotype. Last evaluated: 2024-08-08. Review status: criteria provided, single submitter. Criteria: Ambry Variant Classification Scheme 2023. Collection method: clinical testing. Allele origin: germline.
Comment: The p.N1108S variant (also known as c.3323A>G), located in coding exon 23 of the DSP gene, results from an A to G substitution at nucleotide position 3323. The asparagine at codon 1108 is replaced by serine, an amino acid with highly similar properties. This amino acid position is well conserved in available vertebrate species. In addition, this alteration is predicted to be tolerated by in silico analysis. Based on the available evidence, the clinical significance of this variant remains unclear.